The following is an entry in ClinVar:

ClinVar aggregate classification (germline): not provided (0 of 4 stars; one submission).

Conditions:
Glaucoma 3A. Also called: Glaucoma 3, primary congenital, A. Identifiers: Orphanet 98976, Orphanet 98977, MedGen C1856439, MONDO:0009277, OMIM 231300.

Submission:

Laboratoire de Génétique et de Physiologie Neuroendocrinienne, Faculté des Sciences
No classification provided. Condition: Glaucoma, congenital. Review status: no classification provided. Collection method: not provided. Allele origin: germline.
Comment: test comment3

NM_000104.4(CYP1B1):c.626_627del (p.Cys209fs)

Gene: CYP1B1 (cytochrome P450 family 1 subfamily B member 1; minus strand). Cytogenetic location: 2p22.2.
Variant type: Microsatellite.
Coding change: c.626_627del on transcript NM_000104.4 (MANE Select); coding-DNA positions 626 to 627, 2 bases deleted (GT; older notation c.626_627delGT).
Protein change: p.Cys209fs; shifts the reading frame from cysteine 209.
Molecular consequence: frameshift variant.
Genome position (GRCh38, 1-based): chr2:38,074,762-38,074,763, AC deleted on the plus strand (GT on the coding strand, the reverse complement: CYP1B1 is on the minus strand); deleting any 2 consecutive bases within chr2:38,074,762-38,074,767 gives the same sequence; the c. name uses the placement nearest the transcript's 3' end. VCF-style (leftmost placement, unchanged base first): chr2-38074761-AAC-A. GRCh37 (hg19) VCF-style: chr2-38301904-AAC-A.
Other names: c.625_626del (NM_000104.3); short protein forms C209fs.
Identifiers: ClinVar variation 96701 (VCV000096701.1), dbSNP rs104894980, ClinGen allele CA267226.